The following is an entry in ClinVar:

NM_017636.4(TRPM4):c.1325G>T (p.Arg442Leu)

Gene: TRPM4 (transient receptor potential cation channel subfamily M member 4; plus strand). Cytogenetic location: 19q13.33.
Variant type: single nucleotide variant.
Coding change: c.1325G>T on transcript NM_017636.4 (MANE Select); coding-DNA position 1325, G replaced by T.
Protein change: p.Arg442Leu; replaces arginine 442 with leucine.
Molecular consequence: missense variant. On other transcripts: 5 prime UTR variant (1).
Genome position (GRCh38, 1-based): chr19:49,182,639, G>T. VCF-style: chr19-49182639-G-T. GRCh37 (hg19) VCF-style: chr19-49685896-G-T.
Other names: c.1325G>T, p.Arg442Leu (NM_001195227.2); c.980G>T, p.Arg327Leu (NM_001321281.2); c.-229G>T (NM_001321282.2); c.803G>T, p.Arg268Leu (NM_001321283.2); c.263G>T, p.Arg88Leu (NM_001321285.2); short protein forms R88L, R327L, R268L, R442L.
Identifiers: ClinVar variation 2744966 (VCV002744966.3), dbSNP rs143555485, ClinGen allele CA406799086.

ClinVar aggregate classification (germline): Uncertain significance (1 of 4 stars; one submission).

Conditions:
Progressive familial heart block type IB (PFHB1B). Identifiers: Orphanet 871, MedGen C1970298, MONDO:0011474, OMIM 604559.

Submission:

Labcorp Genetics (formerly Invitae), Labcorp
Classification: Uncertain significance for Progressive familial heart block type IB. Last evaluated: 2023-07-19. Review status: criteria provided, single submitter. Criteria: Invitae Variant Classification Sherloc (09022015). Collection method: clinical testing. Allele origin: germline.
Comment: This variant has not been reported in the literature in individuals affected with TRPM4-related conditions. This variant is not present in population databases (gnomAD no frequency). This sequence change replaces arginine, which is basic and polar, with leucine, which is neutral and non-polar, at codon 442 of the TRPM4 protein (p.Arg442Leu). An algorithm developed to predict the effect of missense changes on protein structure and function (PolyPhen-2) suggests that this variant is likely to be disruptive. In summary, the available evidence is currently insufficient to determine the role of this variant in disease. Therefore, it has been classified as a Variant of Uncertain Significance.